The following is an entry in ClinVar:

NM_001105206.3(LAMA4):c.1411T>A (p.Phe471Ile)

Gene: LAMA4 (laminin subunit alpha 4; minus strand). Cytogenetic location: 6q21.
Variant type: single nucleotide variant.
Coding change: c.1411T>A on transcript NM_001105206.3 (MANE Select); coding-DNA position 1411, T replaced by A.
Protein change: p.Phe471Ile; replaces phenylalanine 471 with isoleucine.
Molecular consequence: missense variant.
Genome position (GRCh38, 1-based): chr6:112,172,751, A>T on the plus strand (T>A on the coding strand, the complement: LAMA4 is on the minus strand). VCF-style: chr6-112172751-A-T. GRCh37 (hg19) VCF-style: chr6-112493953-A-T.
Other names: c.1390T>A, p.Phe464Ile (NM_001105207.3, NM_002290.5); short protein forms F471I, F464I.
Identifiers: ClinVar variation 4737284 (VCV004737284.1).

ClinVar aggregate classification (germline): Uncertain significance (1 of 4 stars; one submission).

Conditions:
Dilated cardiomyopathy 1JJ (CMD1JJ). Identifiers: Orphanet 154, MedGen C3808935, MONDO:0014095, OMIM 615235.

gnomAD v4.1: 2 of 1,614,116 alleles (0.00012%); highest among the groups gnomAD compares: Non-Finnish European, 0.00017%; no homozygotes.

Submission:

Labcorp Genetics (formerly Invitae), Labcorp
Classification: Uncertain significance for Dilated cardiomyopathy 1JJ. Last evaluated: 2025-06-23. Review status: criteria provided, single submitter. Criteria: Invitae Variant Classification Sherloc (09022015). Collection method: clinical testing. Allele origin: germline.
Comment: This sequence change replaces phenylalanine, which is neutral and non-polar, with isoleucine, which is neutral and non-polar, at codon 464 of the LAMA4 protein (p.Phe464Ile). This variant is not present in population databases (gnomAD no frequency). This variant has not been reported in the literature in individuals affected with LAMA4-related conditions. Invitae Evidence Modeling of protein sequence and biophysical properties (such as structural, functional, and spatial information, amino acid conservation, physicochemical variation, residue mobility, and thermodynamic stability) indicates that this missense variant is not expected to disrupt LAMA4 protein function with a negative predictive value of 80%. In summary, the available evidence is currently insufficient to determine the role of this variant in disease. Therefore, it has been classified as a Variant of Uncertain Significance.